The following is an entry in ClinVar:

NM_001105206.3(LAMA4):c.3415-316_3415-313del

Gene: LAMA4 (laminin subunit alpha 4; minus strand). Cytogenetic location: 6q21.
Variant type: Deletion.
Coding change: c.3415-316_3415-313del on transcript NM_001105206.3 (MANE Select); 316 bases into the intron before coding-DNA position 3415 through 313 bases into the intron before coding-DNA position 3415, 4 bases deleted (ACCT; older notation c.3415-316_3415-313delACCT).
Molecular consequence: intron variant.
Genome position (GRCh38, 1-based): chr6:112,134,922-112,134,925, AGGT deleted on the plus strand (ACCT on the coding strand, the reverse complement: LAMA4 is on the minus strand). VCF-style (leftmost placement, unchanged base first): chr6-112134921-CAGGT-C. GRCh37 (hg19) VCF-style: chr6-112456123-CAGGT-C.
Other names: c.3394-316_3394-313del (NM_002290.5, NM_001105207.3).
Identifiers: ClinVar variation 683590 (VCV000683590.1), dbSNP rs145091507, ClinGen allele CA451597984.

ClinVar aggregate classification (germline): Benign (1 of 4 stars; one submission).

Allele frequency attached by ClinVar (database versions not stated): gnomAD 0.51793 and 0.52110; TOPMed 0.52339; 1000 Genomes Project 30x 0.59416; 1000 Genomes Project 0.59704.

Submission:

GeneDx
Classification: Benign. Last evaluated: 2018-06-18. Review status: criteria provided, single submitter. Criteria: GeneDx Variant Classification (06012015). Collection method: clinical testing. Allele origin: germline. Affected: yes.
Comment: This variant is considered likely benign or benign based on one or more of the following criteria: it is a conservative change, it occurs at a poorly conserved position in the protein, it is predicted to be benign by multiple in silico algorithms, and/or has population frequency not consistent with disease.